The following is an entry in ClinVar:

ClinVar aggregate classification (germline): Uncertain significance. Review status: criteria provided, multiple submitters, no conflicts (2 of 4 stars). 3 submissions from 3 submitters: Uncertain significance (2). 1 of the submissions does not count toward it. Last evaluated 2023-08-03.

Conditions:
Mucopolysaccharidosis, MPS-III-A (MPS3A). Also called: SANFILIPPO SYNDROME A; SULFAMIDASE DEFICIENCY; MPS III A; MUCOPOLYSACCHARIDOSIS, TYPE IIIA, ATTENUATED; Mucopolysaccharidosis type IIIA (Sanfilippo A); MPS IIIA (Sanfilippo Syndrome Type A). Identifiers: Orphanet 581, Orphanet 79269, MedGen C0086647, MONDO:0009655, OMIM 252900.

Submissions (3):

3billion
Classification: Uncertain significance for Mucopolysaccharidosis, MPS-III-A. Last evaluated: 2023-08-03. Review status: criteria provided, single submitter. Criteria: ACMG Guidelines, 2015. Collection method: clinical testing. Allele origin: germline. Affected: yes.
Comment: The variant is not observed in the gnomAD v2.1.1 dataset. Predicted Consequence/Location: Missense variant In silico tool predictions suggest damaging effect of the variant on gene or gene product [REVEL: 0.97 (>=0.6, sensitivity 0.68 and specificity 0.92); 3Cnet: 0.92 (>=0.6, sensitivity 0.72 and precision 0.9)]. Same nucleotide change resulting in same amino acid change has been previously reported to be associated with SGSH-related disorder (PMID: 21204211). However, the evidence of pathogenicity is insufficient at this time. A different missense change at the same codon (p.Tyr40Asn) has been reported to be associated with SGSH-related disorder (ClinVar ID: VCV000638087 /PMID: 9554748). However the evidence of pathogenicity is insufficient at this time. Therefore, this variant is classified as VUS according to the recommendation of ACMG/AMP guideline.

Genome-Nilou Lab
Classification: Uncertain significance for Mucopolysaccharidosis, MPS-III-A. Last evaluated: 2021-11-07. Review status: criteria provided, single submitter. Criteria: ACMG Guidelines, 2015. Collection method: clinical testing. Allele origin: germline. Affected: no.

Counsyl
Classification: Uncertain significance for Mucopolysaccharidosis, MPS-III-A. Last evaluated: 2017-05-04. Review status: no assertion criteria provided. Collection method: clinical testing. Allele origin: unknown. Not counted in ClinVar's aggregate classification.

Literature cited by the submitters: PubMed 9554748 (cited by 3billion); PubMed 21204211 (cited by 3billion and Counsyl).

NM_000199.5(SGSH):c.119A>C (p.Tyr40Ser)

Gene: SGSH (N-sulfoglucosamine sulfohydrolase; minus strand). Cytogenetic location: 17q25.3.
Variant type: single nucleotide variant.
Coding change: c.119A>C on transcript NM_000199.5 (MANE Select); coding-DNA position 119, A replaced by C.
Protein change: p.Tyr40Ser; replaces tyrosine 40 with serine.
Molecular consequence: missense variant. On other transcripts: non-coding transcript variant (1).
Genome position (GRCh38, 1-based): chr17:80,217,162, T>G on the plus strand (A>C on the coding strand, the complement: SGSH is on the minus strand). VCF-style: chr17-80217162-T-G. GRCh37 (hg19) VCF-style: chr17-78190961-T-G.
Other names: c.119A>C, p.Tyr40Ser (NM_001352921.3, NM_001352922.2); short protein forms Y40S.
Identifiers: ClinVar variation 551665 (VCV000551665.5), dbSNP rs1555623007, ClinGen allele CA401364633.